The following is an entry in ClinVar:

ClinVar aggregate classification (germline): Conflicting classifications of pathogenicity. Review status: criteria provided, conflicting classifications (1 of 4 stars). 2 submissions from 2 submitters: Uncertain significance (1); Likely benign (1). Last evaluated 2024-03-05.

Conditions:
Inborn genetic diseases. Identifiers: MedGen C0950123, MeSH D030342.

Allele frequency attached by ClinVar (database versions not stated): gnomAD 0.00001; ExAC 0.00002.
gnomAD v4.1: 15 of 1,612,594 alleles (0.00093%); highest among the groups gnomAD compares: Admixed American, 0.0017%; no homozygotes.

Submissions (2):

Ambry Genetics
Classification: Likely benign for Inborn genetic diseases. Last evaluated: 2024-03-05. Review status: criteria provided, single submitter. Criteria: Ambry Variant Classification Scheme 2023. Collection method: clinical testing. Allele origin: germline.

Labcorp Genetics (formerly Invitae), Labcorp
Classification: Uncertain significance. Last evaluated: 2022-06-11. Review status: criteria provided, single submitter. Criteria: Invitae Variant Classification Sherloc (09022015). Collection method: clinical testing. Allele origin: germline.
Comment: This sequence change replaces aspartic acid, which is acidic and polar, with asparagine, which is neutral and polar, at codon 319 of the COQ8A protein (p.Asp319Asn). This variant is present in population databases (rs758539309, gnomAD 0.004%). This variant has not been reported in the literature in individuals affected with COQ8A-related conditions. Advanced modeling of protein sequence and biophysical properties (such as structural, functional, and spatial information, amino acid conservation, physicochemical variation, residue mobility, and thermodynamic stability) performed at Invitae indicates that this missense variant is not expected to disrupt COQ8A protein function. In summary, the available evidence is currently insufficient to determine the role of this variant in disease. Therefore, it has been classified as a Variant of Uncertain Significance.

NM_020247.5(COQ8A):c.955G>A (p.Asp319Asn)

Gene: COQ8A (coenzyme Q8A; plus strand). Cytogenetic location: 1q42.13.
Variant type: single nucleotide variant.
Coding change: c.955G>A on transcript NM_020247.5 (MANE Select); coding-DNA position 955, G replaced by A.
Protein change: p.Asp319Asn; replaces aspartic acid 319 with asparagine.
Molecular consequence: missense variant.
Genome position (GRCh38, 1-based): chr1:226,982,909, G>A. VCF-style: chr1-226982909-G-A. GRCh37 (hg19) VCF-style: chr1-227170610-G-A.
Other names: c.955G>A (NM_020247.4); short protein forms D319N.
Identifiers: ClinVar variation 1901352 (VCV001901352.3), dbSNP rs758539309, ClinGen allele CA1425248.